The following is an entry in ClinVar:

ClinVar aggregate classification (germline): Uncertain significance (1 of 4 stars; one submission).

Submission:

GeneDx
Classification: Uncertain significance. Last evaluated: 2017-09-26. Review status: criteria provided, single submitter. Criteria: GeneDx Variant Classification (06012015). Collection method: clinical testing. Allele origin: germline. Affected: yes.
Comment: The S439R variant in the TNFRSF11A gene has not been reported previously as a pathogenic variant, nor as a benign variant, to our knowledge. This variant is not observed in large population cohorts (Lek et al., 2016). The S439R variant is a semi-conservative amino acid substitution, which may impact secondary protein structure as these residues differ in some properties. However, this substitution occurs at a position that is not conserved across species, and in silico analysis is inconsistent in its predictions as to whether or not the variant is damaging to the protein structure/function. We interpret S439R as a variant of uncertain significance.

NM_003839.4(TNFRSF11A):c.1317C>A (p.Ser439Arg)

Gene: TNFRSF11A (TNF receptor superfamily member 11a; plus strand). Cytogenetic location: 18q21.33.
Variant type: single nucleotide variant.
Coding change: c.1317C>A on transcript NM_003839.4 (MANE Select); coding-DNA position 1317, C replaced by A.
Protein change: p.Ser439Arg; replaces serine 439 with arginine.
Molecular consequence: missense variant. On other transcripts: intron variant (3).
Genome position (GRCh38, 1-based): chr18:62,369,234, C>A. VCF-style: chr18-62369234-C-A. GRCh37 (hg19) VCF-style: chr18-60036467-C-A.
Other names: c.1275C>A, p.Ser425Arg (NM_001278268.2); c.783+2474C>A (NM_001270949.2); c.730+7441C>A (NM_001270950.2); c.616+9185C>A (NM_001270951.2); short protein forms S439R, S425R.
Identifiers: ClinVar variation 452153 (VCV000452153.2), dbSNP rs1555774999, ClinGen allele CA402617725.